The following is an entry in ClinVar:

NM_002471.4(MYH6):c.1075C>T (p.His359Tyr)

Gene: MYH6 (myosin heavy chain 6; minus strand). Cytogenetic location: 14q11.2.
Variant type: single nucleotide variant.
Coding change: c.1075C>T on transcript NM_002471.4 (MANE Select); coding-DNA position 1075, C replaced by T.
Protein change: p.His359Tyr; replaces histidine 359 with tyrosine.
Molecular consequence: missense variant.
Genome position (GRCh38, 1-based): chr14:23,402,530, G>A on the plus strand (C>T on the coding strand, the complement: MYH6 is on the minus strand). VCF-style: chr14-23402530-G-A. GRCh37 (hg19) VCF-style: chr14-23871739-G-A.
Other names: short protein forms H359Y.
Identifiers: ClinVar variation 2824270 (VCV002824270.3), dbSNP rs2502197432, ClinGen allele CA389026104.
Genomic context (GRCh38, chr14:23,402,530, plus strand): 5'-TGCCGTCTGGCTCCGCCTGCTCCTCCCGCTGCTTCTGCTTGAACTTCATGTTCCCGTAGT[G>A]CATGATGGCTCCCGTCAGCTTGTAGACGCCAGCTTTCTCCTCTGAAGTGAAGCCCAGCAC-3'
Protein context (NP_002462.2, residues 349-369): GVYKLTGAIM[His359Tyr]YGNMKFKQKQ

ClinVar aggregate classification (germline): Uncertain significance (1 of 4 stars; one submission).

Conditions:
Hypertrophic cardiomyopathy 14. Identifiers: MedGen C2750467, MONDO:0013197, OMIM 613251.

Submission:

Labcorp Genetics (formerly Invitae), Labcorp
Classification: Uncertain significance for Hypertrophic cardiomyopathy 14. Last evaluated: 2022-12-26. Review status: criteria provided, single submitter. Criteria: Invitae Variant Classification Sherloc (09022015). Collection method: clinical testing. Allele origin: germline.
Comment: Advanced modeling of protein sequence and biophysical properties (such as structural, functional, and spatial information, amino acid conservation, physicochemical variation, residue mobility, and thermodynamic stability) performed at Invitae indicates that this missense variant is not expected to disrupt MYH6 protein function. This variant has not been reported in the literature in individuals affected with MYH6-related conditions. This variant is not present in population databases (gnomAD no frequency). This sequence change replaces histidine, which is basic and polar, with tyrosine, which is neutral and polar, at codon 359 of the MYH6 protein (p.His359Tyr). In summary, the available evidence is currently insufficient to determine the role of this variant in disease. Therefore, it has been classified as a Variant of Uncertain Significance.